The following is an entry in ClinVar:

ClinVar aggregate classification (germline): Benign/Likely benign. Review status: criteria provided, multiple submitters, no conflicts (2 of 4 stars). 8 submissions from 8 submitters: Benign (5); Likely benign (1). 2 of the submissions do not count toward it. Last evaluated 2026-02-02.

Conditions:
Weill-Marchesani syndrome 1 (WMS1). Also called: ADAMTS10-Related Weill-Marchesani Syndrome; Weill-Marchesani syndrome 1, recessive; Weill-Marchesani Syndrome, Autosomal Recessive. Identifiers: Orphanet 3449, MedGen C4552002, MONDO:0010194, OMIM 277600.
Weill-Marchesani syndrome. Also called: WM Syndrome; Mesodermal dysmorphodystrophy congenital. Identifiers: Orphanet 3449, MedGen C0265313, MONDO:0018096.

Allele frequency attached by ClinVar (database versions not stated): gnomAD 0.02550; ESP Exome Variant Server 0.02601; TOPMed 0.02877; 1000 Genomes Project 0.02895.
gnomAD v4.1: 7,944 of 1,613,450 alleles (0.49%); highest among the groups gnomAD compares: African/African-American, 9.1%; 334 homozygotes.

Submissions (19):

Labcorp Genetics (formerly Invitae), Labcorp
Classification: Benign. Last evaluated: 2026-02-02. Review status: criteria provided, single submitter. Criteria: Invitae Variant Classification Sherloc (09022015). Collection method: clinical testing. Allele origin: germline.

Mayo Clinic Laboratories, Mayo Clinic
Classification: Benign. Last evaluated: 2023-09-02. Review status: criteria provided, single submitter. Criteria: ACMG Guidelines, 2015. Collection method: clinical testing. Allele origin: germline. Observed: 12 variant alleles.

Fulgent Genetics
Classification: Likely benign for Weill-Marchesani syndrome 1. Last evaluated: 2021-11-08. Review status: criteria provided, single submitter. Criteria: ACMG Guidelines, 2015. Collection method: clinical testing. Allele origin: unknown.

GeneDx
Classification: Benign. Last evaluated: 2018-09-22. Review status: criteria provided, single submitter. Criteria: GeneDx Variant Classification Process June 2021. Collection method: clinical testing. Allele origin: germline. Affected: yes.

Illumina Laboratory Services, Illumina
Classification: Benign for Weill-Marchesani syndrome. Last evaluated: 2018-01-13. Review status: criteria provided, single submitter. Criteria: ICSL Variant Classification Criteria 13 December 2019. Collection method: clinical testing. Allele origin: germline.
Comment: This variant was observed in the ICSL laboratory as part of a predisposition screen in an ostensibly healthy population. It had not been previously curated by ICSL or reported in the Human Gene Mutation Database (HGMD: prior to June 1st, 2018), and was therefore a candidate for classification through an automated scoring system. Utilizing variant allele frequency, disease prevalence and penetrance estimates, and inheritance mode, an automated score was calculated to assess if this variant is too frequent to cause the disease. Based on the score and internal cut-off values, a variant classified as benign is not then subjected to further curation. The score for this variant resulted in a classification of benign for this disease.

Breakthrough Genomics
Classification: Benign. Review status: criteria provided, single submitter. Criteria: ACMG Guidelines, 2015. Collection method: not provided. Allele origin: germline. Inheritance: Autosomal recessive inheritance. Affected: yes.

Dr. Peter K. Rogan Lab, Western University
No classification provided (evidence only). Condition: Lung cancer. Review status: no classification provided. Collection method: in vitro. Allele origin: not applicable. Functional consequence: retained intron. Not counted in ClinVar's aggregate classification.

Dr. Peter K. Rogan Lab, Western University
No classification provided (evidence only). Condition: Lung cancer. Review status: no classification provided. Collection method: in vitro. Allele origin: not applicable. Functional consequence: retained intron. Not counted in ClinVar's aggregate classification.

Dr. Peter K. Rogan Lab, Western University
No classification provided (evidence only). Condition: Acute myeloid leukemia. Review status: no classification provided. Collection method: in vitro. Allele origin: not applicable. Functional consequence: retained intron. Not counted in ClinVar's aggregate classification.

Dr. Peter K. Rogan Lab, Western University
No classification provided (evidence only). Condition: Acute myeloid leukemia. Review status: no classification provided. Collection method: in vitro. Allele origin: not applicable. Functional consequence: retained intron. Not counted in ClinVar's aggregate classification.

Dr. Peter K. Rogan Lab, Western University
No classification provided (evidence only). Condition: Uterine corpus endometrial carcinoma. Review status: no classification provided. Collection method: in vitro. Allele origin: not applicable. Functional consequence: retained intron. Not counted in ClinVar's aggregate classification.

Dr. Peter K. Rogan Lab, Western University
No classification provided (evidence only). Condition: Cervical cancer. Review status: no classification provided. Collection method: in vitro. Allele origin: not applicable. Functional consequence: retained intron. Not counted in ClinVar's aggregate classification.

Dr. Peter K. Rogan Lab, Western University
No classification provided (evidence only). Condition: Cervical cancer. Review status: no classification provided. Collection method: in vitro. Allele origin: not applicable. Functional consequence: retained intron. Not counted in ClinVar's aggregate classification.

Dr. Peter K. Rogan Lab, Western University
No classification provided (evidence only). Condition: Sarcoma. Review status: no classification provided. Collection method: in vitro. Allele origin: not applicable. Functional consequence: retained intron. Not counted in ClinVar's aggregate classification.

Dr. Peter K. Rogan Lab, Western University
No classification provided (evidence only). Condition: Sarcoma. Review status: no classification provided. Collection method: in vitro. Allele origin: not applicable. Functional consequence: retained intron. Not counted in ClinVar's aggregate classification.

Dr. Peter K. Rogan Lab, Western University
No classification provided (evidence only). Condition: Cholangiocarcinoma. Review status: no classification provided. Collection method: in vitro. Allele origin: not applicable. Functional consequence: retained intron. Not counted in ClinVar's aggregate classification.

Dr. Peter K. Rogan Lab, Western University
No classification provided (evidence only). Condition: Gastric cancer. Review status: no classification provided. Collection method: in vitro. Allele origin: not applicable. Functional consequence: retained intron. Not counted in ClinVar's aggregate classification.

Genome Diagnostics Laboratory, Amsterdam University Medical Center
Classification: Benign. Review status: no assertion criteria provided. Collection method: clinical testing. Allele origin: germline. Affected: yes. Study: VKGL Data-share Consensus. Not counted in ClinVar's aggregate classification.

Laboratory of Diagnostic Genome Analysis, Leiden University Medical Center (LUMC)
Classification: Likely benign. Review status: no assertion criteria provided. Collection method: clinical testing. Allele origin: germline. Affected: yes. Study: VKGL Data-share Consensus. Not counted in ClinVar's aggregate classification.

NM_030957.4(ADAMTS10):c.1588-7C>G

Gene: ADAMTS10 (ADAM metallopeptidase with thrombospondin type 1 motif 10; minus strand). Cytogenetic location: 19p13.2.
Variant type: single nucleotide variant.
Coding change: c.1588-7C>G on transcript NM_030957.4 (MANE Select); 7 bases into the intron before coding-DNA position 1588, C replaced by G.
Molecular consequence: intron variant. On other transcripts: missense variant (1).
Genome position (GRCh38, 1-based): chr19:8,592,110, G>C on the plus strand (C>G on the coding strand, the complement: ADAMTS10 is on the minus strand). VCF-style: chr19-8592110-G-C. GRCh37 (hg19) VCF-style: chr19-8656994-G-C.
Other names: p.?; c.53C>G, p.Pro18Arg (NM_001282352.2); short protein forms P18R.
Identifiers: ClinVar variation 330601 (VCV000330601.20), dbSNP rs11882422, ClinGen allele CA9160426.